The following is an entry in ClinVar:

NM_025243.4(SLC19A3):c.328G>A (p.Glu110Lys)

Gene: SLC19A3 (solute carrier family 19 member 3; minus strand). Cytogenetic location: 2q36.3.
Variant type: single nucleotide variant.
Coding change: c.328G>A on transcript NM_025243.4 (MANE Select); coding-DNA position 328, G replaced by A.
Protein change: p.Glu110Lys; replaces glutamic acid 110 with lysine.
Molecular consequence: missense variant.
Genome position (GRCh38, 1-based): chr2:227,699,387, C>T on the plus strand (G>A on the coding strand, the complement: SLC19A3 is on the minus strand). VCF-style: chr2-227699387-C-T. GRCh37 (hg19) VCF-style: chr2-228564103-C-T.
Other names: c.328G>A, p.Glu110Lys (NM_001371411.1, NM_001371412.1); c.316G>A, p.Glu106Lys (NM_001371413.1, NM_001371414.1); short protein forms E106K, E110K.
Identifiers: ClinVar variation 2651964 (VCV002651964.24), dbSNP rs2470574690, ClinGen allele CA350877452.

ClinVar aggregate classification (germline): Uncertain significance (1 of 4 stars; one submission).

Submission:

CeGaT Center for Human Genetics Tuebingen
Classification: Uncertain significance. Last evaluated: 2023-11-01. Review status: criteria provided, single submitter. Criteria: CeGaT Center For Human Genetics Tuebingen Variant Classification Criteria Version 2. Collection method: clinical testing. Allele origin: germline. Affected: yes. Observed: 3 variant alleles.
Comment: SLC19A3: PM2, PM3:Supporting, PP4